The following is an entry in ClinVar:

ClinVar aggregate classification (germline): Uncertain significance. Review status: criteria provided, multiple submitters, no conflicts (2 of 4 stars). 5 submissions from 5 submitters: Uncertain significance (4). 1 of the submissions does not count toward it. Last evaluated 2024-12-04.

Conditions:
Bardet-Biedl syndrome (BBS). Identifiers: Orphanet 110, MedGen C0752166, MONDO:0015229.
Bardet-Biedl syndrome 10 (BBS10). Identifiers: Orphanet 110, MedGen C1859568, MONDO:0014438, OMIM 615987.

Allele frequency attached by ClinVar (database versions not stated): gnomAD exomes below 0.00001 and 0.00002; TOPMed below 0.00001; ExAC 0.00002.
gnomAD v4.1: 1 of 1,614,040 alleles (0.000062%); highest among the groups gnomAD compares: East Asian, 0.0022%; no homozygotes.

Submissions (5):

GeneDx
Classification: Uncertain significance. Last evaluated: 2024-12-04. Review status: criteria provided, single submitter. Criteria: GeneDx Variant Classification Process June 2021. Collection method: clinical testing. Allele origin: germline. Affected: yes.
Comment: Identified in the presence of a second BBS10 variant, phase unknown, in an individual among a cohort of patients with BBS, however additional clinical information was not provided (PMID: 16582908); Published functional studies demonstrate a damaging effect, specifically decreased binding to BBS7, BBS9, and BBS12 (PMID: 20080638); In silico analysis supports that this missense variant does not alter protein structure/function; This variant is associated with the following publications: (PMID: 20498079, 20080638, 16582908, 31964843)

Women's Health and Genetics/Laboratory Corporation of America, LabCorp
Classification: Uncertain significance. Last evaluated: 2024-11-26. Review status: criteria provided, single submitter. Criteria: LabCorp Variant Classification Summary - May 2015. Collection method: clinical testing. Allele origin: germline.
Comment: Variant summary: BBS10 c.2065A>C (p.Thr689Pro) results in a non-conservative amino acid change in the encoded protein sequence. Four of five in-silico tools predict a damaging effect of the variant on protein function. The variant allele was found at a frequency of 1.6e-05 in 251152 control chromosomes. The available data on variant occurrences in the general population are insufficient to allow any conclusion about variant significance. c.2065A>C has been reported in the literature in individuals affected with Bardet-Biedl Syndrome and monogenic diabetes or obesity (Stoetzel_2006, Bonnefond_2013). These data do not allow any conclusion about variant significance. To our knowledge, no experimental evidence demonstrating an impact on protein function has been reported. The following publications have been ascertained in the context of this evaluation (PMID: 24041679, 31964843, 16582908). ClinVar contains an entry for this variant (Variation ID: 550617). Based on the evidence outlined above, the variant was classified as uncertain significance.

Labcorp Genetics (formerly Invitae), Labcorp
Classification: Uncertain significance for Bardet-Biedl syndrome. Last evaluated: 2022-07-11. Review status: criteria provided, single submitter. Criteria: Invitae Variant Classification Sherloc (09022015). Collection method: clinical testing. Allele origin: germline.
Comment: This sequence change replaces threonine, which is neutral and polar, with proline, which is neutral and non-polar, at codon 689 of the BBS10 protein (p.Thr689Pro). This variant is present in population databases (rs759387000, gnomAD 0.02%). This missense change has been observed in individual(s) with Bardet-Biedl syndrome (PMID: 16582908). ClinVar contains an entry for this variant (Variation ID: 550617). Algorithms developed to predict the effect of missense changes on protein structure and function are either unavailable or do not agree on the potential impact of this missense change (SIFT: "Tolerated"; PolyPhen-2: "Possibly Damaging"; Align-GVGD: "Class C0"). Experimental studies have shown that this missense change affects BBS10 function (PMID: 20080638, 20498079). In summary, the available evidence is currently insufficient to determine the role of this variant in disease. Therefore, it has been classified as a Variant of Uncertain Significance.

Blueprint Genetics
Classification: Uncertain significance. Last evaluated: 2020-10-05. Review status: criteria provided, single submitter. Criteria: ACMG Guidelines, 2015. Collection method: clinical testing. Allele origin: germline.

Counsyl
Classification: Uncertain significance for Bardet-Biedl syndrome 10. Last evaluated: 2017-02-03. Review status: no assertion criteria provided. Collection method: clinical testing. Allele origin: unknown. Not counted in ClinVar's aggregate classification.

Literature cited by the submitters: PubMed 16582908 (cited by 3 submitters); PubMed 31964843 (cited by Women's Health and Genetics/Laboratory Corporation of America, LabCorp); PubMed 24041679 (cited by Women's Health and Genetics/Laboratory Corporation of America, LabCorp); PubMed 20080638 (cited by Labcorp Genetics (formerly Invitae), Labcorp and Counsyl); PubMed 20498079 (cited by Labcorp Genetics (formerly Invitae), Labcorp and Counsyl).

NM_024685.4(BBS10):c.2065A>C (p.Thr689Pro)

Gene: BBS10 (Bardet-Biedl syndrome 10; minus strand). Cytogenetic location: 12q21.2.
Variant type: single nucleotide variant.
Coding change: c.2065A>C on transcript NM_024685.4 (MANE Select); coding-DNA position 2065, A replaced by C.
Protein change: p.Thr689Pro; replaces threonine 689 with proline.
Molecular consequence: missense variant.
Genome position (GRCh38, 1-based): chr12:76,345,920, T>G on the plus strand (A>C on the coding strand, the complement: BBS10 is on the minus strand). VCF-style: chr12-76345920-T-G. GRCh37 (hg19) VCF-style: chr12-76739700-T-G.
Other names: c.2065A>C, p.Thr689Pro (LRG_1255t1); short protein forms T689P.
Identifiers: ClinVar variation 550617 (VCV000550617.8), dbSNP rs759387000, ClinGen allele CA6694052.